The following is an entry in ClinVar:

ClinVar aggregate classification (germline): Uncertain significance (1 of 4 stars; one submission).

Conditions:
Zellweger spectrum disorders (ZS). Also called: Zellweger Spectrum Disorder; Zellweger Spectrum; Zellweger Spectrum Disorder (ZSD); Zellweger syndrome. Identifiers: Orphanet 912, MedGen C0043459, MONDO:0019609.

Submission:

Labcorp Genetics (formerly Invitae), Labcorp
Classification: Uncertain significance for Zellweger spectrum disorders. Last evaluated: 2022-04-06. Review status: criteria provided, single submitter. Criteria: Invitae Variant Classification Sherloc (09022015). Collection method: clinical testing. Allele origin: germline.
Comment: This sequence change falls in intron 12 of the PEX1 gene. It does not directly change the encoded amino acid sequence of the PEX1 protein. This variant is present in population databases (no rsID available, gnomAD 0.003%). This variant has not been reported in the literature in individuals affected with PEX1-related conditions. Algorithms developed to predict the effect of sequence changes on RNA splicing suggest that this variant may create or strengthen a splice site. In summary, the available evidence is currently insufficient to determine the role of this variant in disease. Therefore, it has been classified as a Variant of Uncertain Significance.

NM_000466.3(PEX1):c.2072-12_2072-9del

Gene: PEX1 (peroxisomal biogenesis factor 1; minus strand). Cytogenetic location: 7q21.2.
Variant type: Deletion.
Coding change: c.2072-12_2072-9del on transcript NM_000466.3 (MANE Select); 12 bases into the intron before coding-DNA position 2072 through 9 bases into the intron before coding-DNA position 2072, 4 bases deleted (GCTT; older notation c.2072-12_2072-9delGCTT).
Molecular consequence: intron variant.
Genome position (GRCh38, 1-based): chr7:92,503,204-92,503,207, AAGC deleted on the plus strand (GCTT on the coding strand, the reverse complement: PEX1 is on the minus strand); deleting any 4 consecutive bases within chr7:92,503,204-92,503,209 gives the same sequence; the c. name uses the placement nearest the transcript's 3' end. VCF-style (leftmost placement, unchanged base first): chr7-92503203-TAAGC-T. GRCh37 (hg19) VCF-style: chr7-92132517-TAAGC-T.
Other names: c.1901-12_1901-9del (NM_001282677.2); c.1448-12_1448-9del (NM_001282678.2).
Identifiers: ClinVar variation 2121907 (VCV002121907.1), dbSNP rs1292372226, ClinGen allele CA576304814.